The following is an entry in ClinVar:

ClinVar aggregate classification (germline): Uncertain significance (1 of 4 stars; one submission).

Conditions:
MHC class I deficiency. Identifiers: Orphanet 34592, MedGen C6024714, MONDO:0011476.

Submission:

Labcorp Genetics (formerly Invitae), Labcorp
Classification: Uncertain significance for MHC class I deficiency 1. Last evaluated: 2023-04-13. Review status: criteria provided, single submitter. Criteria: Invitae Variant Classification Sherloc (09022015). Collection method: clinical testing. Allele origin: germline.
Comment: In summary, the available evidence is currently insufficient to determine the role of this variant in disease. Therefore, it has been classified as a Variant of Uncertain Significance. An algorithm developed to predict the effect of missense changes on protein structure and function (PolyPhen-2) suggests that this variant is likely to be disruptive. This variant has not been reported in the literature in individuals affected with TAPBP-related conditions. This variant is not present in population databases (gnomAD no frequency). This sequence change replaces proline, which is neutral and non-polar, with leucine, which is neutral and non-polar, at codon 42 of the TAPBP protein (p.Pro42Leu).

NM_003190.5(TAPBP):c.125C>T (p.Pro42Leu)

Gene: TAPBP (TAP binding protein; minus strand). Cytogenetic location: 6p21.32.
Variant type: single nucleotide variant.
Coding change: c.125C>T on transcript NM_003190.5 (MANE Select); coding-DNA position 125, C replaced by T.
Protein change: p.Pro42Leu; replaces proline 42 with leucine.
Molecular consequence: missense variant.
Genome position (GRCh38, 1-based): chr6:33,313,777, G>A on the plus strand (C>T on the coding strand, the complement: TAPBP is on the minus strand). VCF-style: chr6-33313777-G-A. GRCh37 (hg19) VCF-style: chr6-33281554-G-A.
Other names: c.125C>T, p.Pro42Leu (NM_001410875.1, NM_172208.3, NM_172209.3); short protein forms P42L.
Identifiers: ClinVar variation 2740460 (VCV002740460.3), dbSNP rs2536783086, ClinGen allele CA363622719.